The following is an entry in ClinVar:

ClinVar aggregate classification (germline): not provided (0 of 4 stars; one submission).

Allele frequency attached by ClinVar (database versions not stated): 1000 Genomes Project 30x 0.00031; TOPMed 0.00106; gnomAD exomes 0.00107 and 0.00139; ExAC 0.00110; gnomAD 0.00113 and 0.00109; ESP Exome Variant Server 0.00138; 1000 Genomes Project 0.00020.

Submission:

ITMI
No classification provided. Condition: AllHighlyPenetrant. Last evaluated: 2013-09-19. Review status: no classification provided. Collection method: reference population. Allele origin: germline.
Comment: Please see associated publication for description of ethnicities

Literature cited by the submitters: PubMed 24728327.

NM_001706.5(BCL6):c.1375C>T (p.Arg459Cys)

Genes: BCL6 (BCL6 transcription repressor; minus strand), LOC100131635 (hCG1645011-like; plus strand). Cytogenetic location: 3q27.3.
Variant type: single nucleotide variant.
Coding change: c.1375C>T on transcript NM_001706.5 (MANE Select); coding-DNA position 1375, C replaced by T.
Protein change: p.Arg459Cys; replaces arginine 459 with cysteine.
Molecular consequence: missense variant.
Genome position (GRCh38, 1-based): chr3:187,728,525, G>A on the plus strand (C>T on the coding strand, the complement: BCL6 is on the minus strand). VCF-style: chr3-187728525-G-A. GRCh37 (hg19) VCF-style: chr3-187446313-G-A.
Other names: c.1375C>T, p.Arg459Cys (NM_001130845.2, NM_001134738.2); short protein forms R459C.
Identifiers: ClinVar variation 133675 (VCV000133675.1), dbSNP rs137878288, ClinGen allele CA157279.
Genomic context (GRCh38, chr3:187,728,525, plus strand): 5'-CGCAGGACGTGCACTTCGGGGGGTGCATGTAGAGTGGTGAGTGGCTCTCGCTGCTGCTGC[G>A]GGGAGAGCCCGTCATGGACCTATGGACAGGAGTAAAAACAGCCTCAGCACCTGGGGCAGG-3'
Protein context (NP_001697.2, residues 449-469): IVNRSMTGSP[Arg459Cys]SSSESHSPLY